The following is an entry in ClinVar:

ClinVar aggregate classification (germline): Uncertain significance. Review status: criteria provided, multiple submitters, no conflicts (2 of 4 stars). 2 submissions from 2 submitters: Uncertain significance (2). Last evaluated 2024-09-05.

Conditions:
Developmental delay with or without dysmorphic facies and autism. Identifiers: MedGen C5193106, MONDO:0032760, OMIM 618454.

Submissions (2):

Labcorp Genetics (formerly Invitae), Labcorp
Classification: Uncertain significance. Last evaluated: 2024-09-05. Review status: criteria provided, single submitter. Criteria: Invitae Variant Classification Sherloc (09022015). Collection method: clinical testing. Allele origin: germline.
Comment: This sequence change replaces valine, which is neutral and non-polar, with methionine, which is neutral and non-polar, at codon 184 of the TRRAP protein (p.Val184Met). This variant is not present in population databases (gnomAD no frequency). This variant has not been reported in the literature in individuals affected with TRRAP-related conditions. ClinVar contains an entry for this variant (Variation ID: 1028624). Invitae Evidence Modeling of protein sequence and biophysical properties (such as structural, functional, and spatial information, amino acid conservation, physicochemical variation, residue mobility, and thermodynamic stability) indicates that this missense variant is not expected to disrupt TRRAP protein function with a negative predictive value of 80%. In summary, the available evidence is currently insufficient to determine the role of this variant in disease. Therefore, it has been classified as a Variant of Uncertain Significance.

Baylor Genetics
Classification: Uncertain significance for Developmental delay with or without dysmorphic facies and autism. Last evaluated: 2019-12-13. Review status: criteria provided, single submitter. Criteria: ACMG Guidelines, 2015. Collection method: clinical testing. Allele origin: unknown. Affected: yes.
Comment: This variant was determined to be of uncertain significance according to ACMG Guidelines, 2015 [PMID:25741868].

NM_001375524.1(TRRAP):c.550G>A (p.Val184Met)

Gene: TRRAP (transformation/transcription domain associated protein; plus strand). Cytogenetic location: 7q22.1.
Variant type: single nucleotide variant.
Coding change: c.550G>A on transcript NM_001375524.1 (MANE Select); coding-DNA position 550, G replaced by A.
Protein change: p.Val184Met; replaces valine 184 with methionine.
Molecular consequence: missense variant.
Genome position (GRCh38, 1-based): chr7:98,897,783, G>A. VCF-style: chr7-98897783-G-A. GRCh37 (hg19) VCF-style: chr7-98495406-G-A.
Other names: c.550G>A, p.Val184Met (NM_001244580.2, NM_003496.4); short protein forms V184M.
Identifiers: ClinVar variation 1028624 (VCV001028624.4), dbSNP rs1796285820, ClinGen allele CA368279478.
Genomic context (GRCh38, chr7:98,897,783, plus strand): 5'-TTTATGACTTTTATGTAGAACCGCTACTTTGAGAACCCTCAAGTGATCCCCGAGAACACA[G>A]TGCCTCCCCCAGAAATGGTTGGTATGATAACAACGATTGCTGTGAAAGTCAACCCGGAGC-3'
Protein context (NP_001362453.1, residues 174-194): ENPQVIPENT[Val184Met]PPPEMVGMIT